The following is an entry in ClinVar:

ClinVar aggregate classification (germline): Likely pathogenic. Review status: criteria provided, multiple submitters, no conflicts (2 of 4 stars). 2 submissions from 2 submitters: Likely pathogenic (2). Last evaluated 2022-02-04.

Conditions:
Cardiovascular phenotype. Identifiers: MedGen CN230736.
Dilated cardiomyopathy 1G (CMD1G). Identifiers: Orphanet 154, MedGen C1858763, MONDO:0011400, OMIM 604145.
Autosomal recessive limb-girdle muscular dystrophy type 2J (LGMDR10). Also called: MUSCULAR DYSTROPHY, LIMB-GIRDLE, AUTOSOMAL RECESSIVE 10; Limb-girdle muscular dystrophy, type 2J. Identifiers: Orphanet 140922, MedGen C1837342, MONDO:0012127, OMIM 608807.

Submissions (2):

Labcorp Genetics (formerly Invitae), Labcorp
Classification: Likely pathogenic for Dilated cardiomyopathy 1G; Autosomal recessive limb-girdle muscular dystrophy type 2J. Last evaluated: 2022-02-04. Review status: criteria provided, single submitter. Criteria: Invitae Variant Classification Sherloc (09022015). Collection method: clinical testing. Allele origin: germline.
Comment: This sequence change creates a premature translational stop signal (p.Tyr16786*) in the TTN gene. While this is not anticipated to result in nonsense mediated decay, it is expected to create a truncated TTN protein. In summary, the currently available evidence indicates that the variant is pathogenic, but additional data are needed to prove that conclusively. Therefore, this variant has been classified as Likely Pathogenic. This variant is located in the A band of TTN (PMID: 25589632). Truncating variants in this region are significantly overrepresented in patients affected with dilated cardiomyopathy (PMID: 25589632). Truncating variants in this region have also been reported in individuals affected with autosomal recessive centronuclear myopathy (PMID: 23975875). ClinVar contains an entry for this variant (Variation ID: 853931). This variant has not been reported in the literature in individuals affected with TTN-related conditions. This variant is not present in population databases (gnomAD no frequency).

Ambry Genetics
Classification: Likely pathogenic for Cardiovascular phenotype. Last evaluated: 2020-10-13. Review status: criteria provided, single submitter. Criteria: Ambry Variant Classification Scheme 2023. Collection method: clinical testing. Allele origin: germline.
Comment: The p.Y7721* variant (also known as c.23163T>A), located in coding exon 95 of the TTN gene, results from a T to A substitution at nucleotide position 23163. This changes the amino acid from a tyrosine to a stop codon within coding exon 95. This exon is located in the A-band region of the N2-B isoform of the titin protein and is constitutively expressed in TTN transcripts (percent spliced in or PSI 100%). This alteration is expected to result in loss of function by premature protein truncation or nonsense-mediated mRNA decay. While truncating variants in TTN are present in 1-3% of the general population, truncating variants in the A-band are the most common cause of dilated cardiomyopathy (DCM) (Herman DS et al. N. Engl. J. Med., 2012 Feb;366:619-28; Roberts AM et al. Sci Transl Med, 2015 Jan;7:270ra6). TTN truncating variants encoded in constitutive exons (PSI >90%) have been found to be significantly associated with DCM regardless of their position in titin (Schafer S et al. Nat. Genet., 2017 01;49:46-53). As such, this alteration is classified as likely pathogenic.

Literature cited by the submitters: PubMed 25589632 (cited by Labcorp Genetics (formerly Invitae), Labcorp); PubMed 23975875 (cited by Labcorp Genetics (formerly Invitae), Labcorp).

NM_001267550.2(TTN):c.50358T>A (p.Tyr16786Ter)

Genes: TTN-AS1 (TTN antisense RNA 1; plus strand), TTN (titin; minus strand). Cytogenetic location: 2q31.2.
Variant type: single nucleotide variant.
Coding change: c.50358T>A on transcript NM_001267550.2 (MANE Select); coding-DNA position 50358, T replaced by A.
Protein change: p.Tyr16786Ter; replaces tyrosine 16786 with a stop codon.
Molecular consequence: nonsense.
Genome position (GRCh38, 1-based): chr2:178,611,951, A>T on the plus strand (T>A on the coding strand, the complement: TTN is on the minus strand). VCF-style: chr2-178611951-A-T. GRCh37 (hg19) VCF-style: chr2-179476678-A-T.
Other names: c.45435T>A, p.Tyr15145Ter (NM_001256850.1); c.23163T>A, p.Tyr7721Ter (NM_003319.4); c.42654T>A, p.Tyr14218Ter (NM_133378.4); c.23538T>A, p.Tyr7846Ter (NM_133432.3); c.23739T>A, p.Tyr7913Ter (NM_133437.4); short protein forms Y15145*, Y7913*, Y14218*, Y16786*, Y7721*, Y7846*.
Identifiers: ClinVar variation 853931 (VCV000853931.12), dbSNP rs72677249, ClinGen allele CA349596708.
Genomic context (GRCh38, chr2:178,611,951, plus strand): 5'-TCCTGCAGTCTTTCCAGCTTTCACCCAACGGGTACCTAACCTTTCTTTCTTCTCAATGAC[A>T]TATCTATTGAAACAACAAAGCATTTCATTAGCATTAATGAAAAAACACAGTTAAGAATTT-3'